The following is an entry in ClinVar:

NM_000368.5(TSC1):c.356G>C (p.Cys119Ser)

Gene: TSC1 (TSC complex subunit 1; minus strand). Cytogenetic location: 9q34.13.
Variant type: single nucleotide variant.
Coding change: c.356G>C on transcript NM_000368.5 (MANE Select); coding-DNA position 356, G replaced by C.
Protein change: p.Cys119Ser; replaces cysteine 119 with serine.
Molecular consequence: missense variant. On other transcripts: intron variant (5), 5 prime UTR variant (18), non-coding transcript variant (5).
Genome position (GRCh38, 1-based): chr9:132,925,594, C>G on the plus strand (G>C on the coding strand, the complement: TSC1 is on the minus strand). VCF-style: chr9-132925594-C-G. GRCh37 (hg19) VCF-style: chr9-135800981-C-G.
Other names: c.210+1607G>C (NM_001406610.1, NM_001406611.1, NM_001162427.2 and 2 more transcripts); c.356G>C, p.Cys119Ser (NM_001162426.2, NM_001406592.1, NM_001406593.1 and 16 more transcripts); c.-8G>C (NM_001362177.2, NM_001406625.1, NM_001406617.1 and 5 more transcripts); c.-522G>C (NM_001406626.1, NM_001406627.1, NM_001406628.1); c.-664G>C (NM_001406629.1); c.-738G>C (NM_001406630.1); c.-100G>C (NM_001406614.1, NM_001406616.1, NM_001406624.1); c.-133G>C (NM_001406615.1, NM_001406623.1); short protein forms C119S.
Identifiers: ClinVar variation 3639634 (VCV003639634.3).

ClinVar aggregate classification (germline): Uncertain significance. Review status: criteria provided, multiple submitters, no conflicts (2 of 4 stars). 2 submissions from 2 submitters: Uncertain significance (2). Last evaluated 2026-08-11.

Conditions:
Tuberous sclerosis 1 (TSC1). Identifiers: Orphanet 805, MedGen C1854465, MONDO:0008612, OMIM 191100.
Hereditary cancer-predisposing syndrome. Also called: Hereditary neoplastic syndrome; Neoplastic Syndromes, Hereditary; Tumor predisposition; Hereditary Cancer Syndrome. Identifiers: Orphanet 140162, MedGen C0027672, MeSH D009386, MONDO:0015356.

Submissions (2):

Ambry Genetics
Classification: Uncertain significance for Hereditary cancer-predisposing syndrome. Last evaluated: 2026-08-11. Review status: criteria provided, single submitter. Criteria: Ambry Variant Classification Scheme 2023. Collection method: clinical testing. Allele origin: germline.
Comment: The p.C119S variant (also known as c.356G>C), located in coding exon 3 of the TSC1 gene, results from a G to C substitution at nucleotide position 356. The cysteine at codon 119 is replaced by serine, an amino acid with dissimilar properties. This amino acid position is conserved. In addition, this alteration is predicted to be deleterious by in silico analysis. Based on the available evidence, the clinical significance of this variant remains unclear.

Labcorp Genetics (formerly Invitae), Labcorp
Classification: Uncertain significance for Tuberous sclerosis 1. Last evaluated: 2024-02-08. Review status: criteria provided, single submitter. Criteria: Invitae Variant Classification Sherloc (09022015). Collection method: clinical testing. Allele origin: germline.
Comment: This sequence change replaces cysteine, which is neutral and slightly polar, with serine, which is neutral and polar, at codon 119 of the TSC1 protein (p.Cys119Ser). This variant is not present in population databases (gnomAD no frequency). This variant has not been reported in the literature in individuals affected with TSC1-related conditions. Advanced modeling of protein sequence and biophysical properties (such as structural, functional, and spatial information, amino acid conservation, physicochemical variation, residue mobility, and thermodynamic stability) performed at Invitae indicates that this missense variant is not expected to disrupt TSC1 protein function with a negative predictive value of 95%. In summary, the available evidence is currently insufficient to determine the role of this variant in disease. Therefore, it has been classified as a Variant of Uncertain Significance.